The following is an entry in ClinVar:

ClinVar aggregate classification (germline): Conflicting classifications of pathogenicity. Review status: criteria provided, conflicting classifications (1 of 4 stars). 2 submissions from 2 submitters: Uncertain significance (1); Likely benign (1). Last evaluated 2023-11-19.

Conditions:
Wilson disease (WND). Also called: Wilson's disease. Identifiers: Orphanet 905, MedGen C0019202, MONDO:0010200, OMIM 277900. Disease mechanism: loss of function.

Submissions (2):

Labcorp Genetics (formerly Invitae), Labcorp
Classification: Likely benign for Wilson disease. Last evaluated: 2023-11-19. Review status: criteria provided, single submitter. Criteria: Invitae Variant Classification Sherloc (09022015). Collection method: clinical testing. Allele origin: germline.

All of Us Research Program, National Institutes of Health
Classification: Uncertain significance for Wilson disease. Last evaluated: 2023-04-03. Review status: criteria provided, single submitter. Criteria: ACMG Guidelines, 2015. Collection method: clinical testing. Allele origin: germline. Inheritance: Autosomal recessive inheritance. Observed: 1 variant allele, 1 heterozygote.
Comment: This variant causes the deletion of 1 nucleotide in intron 15 of the ATP7B gene. To our knowledge, functional studies have not been reported for this variant. This variant has not been reported in individuals affected with ATP7B-related disorders in the literature. This variant has not been identified in the general population by the Genome Aggregation Database (gnomAD). The available evidence is insufficient to determine the role of this variant in disease conclusively. Therefore, this variant is classified as a Variant of Uncertain Significance.

This study involves interpretation of variants in research participants for the purpose of population health screening. Participant phenotype was not available at the time of variant classification. Additional details can be found in publication PMID: 35346344, PMCID: PMC8962531

NM_000053.4(ATP7B):c.3413-13del

Gene: ATP7B (ATPase copper transporting beta; minus strand). Cytogenetic location: 13q14.3.
Variant type: Deletion.
Coding change: c.3413-13del on transcript NM_000053.4 (MANE Select); 13 bases into the intron before coding-DNA position 3413, one base deleted (C; older notation c.3413-13delC).
Molecular consequence: intron variant.
Genome position (GRCh38, 1-based): chr13:51,941,237, G deleted on the plus strand (C on the coding strand, the reverse complement: ATP7B is on the minus strand); the first of 2 consecutive G bases (chr13:51,941,237-51,941,238); deleting either gives the same sequence. VCF-style (leftmost placement, unchanged base first): chr13-51941236-AG-A. GRCh37 (hg19) VCF-style: chr13-52515372-AG-A.
Other names: c.3178+1149del (NM_001406538.1); c.3179-13del (NM_001330578.2, NM_001406527.1, NM_001406528.1); c.3269-13del (NM_001406520.1, NM_001406521.1, NM_001406522.1); c.3083-13del (NM_001406535.1, NM_001406536.1); c.3278-13del (NM_001406519.1); c.3359-13del (NM_001406515.1, NM_001406516.1); c.3218-13del (NM_001406525.1); c.3230-13del (NM_001406523.1); and 20 more.
Identifiers: ClinVar variation 3013433 (VCV003013433.4), dbSNP rs751819044, ClinGen allele CA6988698.